The following is an entry in ClinVar:

NM_020937.4(FANCM):c.6016C>A (p.Gln2006Lys)

Gene: FANCM (FA complementation group M; plus strand). Cytogenetic location: 14q21.2.
Variant type: single nucleotide variant.
Coding change: c.6016C>A on transcript NM_020937.4 (MANE Select); coding-DNA position 6016, C replaced by A.
Protein change: p.Gln2006Lys; replaces glutamine 2006 with lysine.
Molecular consequence: missense variant.
Genome position (GRCh38, 1-based): chr14:45,199,877, C>A. VCF-style: chr14-45199877-C-A. GRCh37 (hg19) VCF-style: chr14-45669080-C-A.
Other names: c.5938C>A, p.Gln1980Lys (NM_001308133.2); short protein forms Q1980K, Q2006K.
Identifiers: ClinVar variation 2758060 (VCV002758060.3), dbSNP rs1566794123, ClinGen allele CA389587959.
Genomic context (GRCh38, chr14:45,199,877, plus strand): 5'-TTTATAAAAGCCAAAAGTCCTAGTGTAATGATTTTGTCTCATTTATTTTTCAGCTCACTT[C>A]AAGAAATCTCCATGTATGCACAAGTAACTCATCAGAAGGCTGAGGAGATCTATAGATATA-3'
Protein context (NP_065988.1, residues 1996-2016): SVKRMANSSL[Gln2006Lys]EISMYAQVTH

ClinVar aggregate classification (germline): Uncertain significance (1 of 4 stars; one submission).

Conditions:
Fanconi anemia (FA). Also called: Fanconi's anemia. Identifiers: Orphanet 84, MedGen C0015625, MeSH D005199, MONDO:0019391.

Submission:

Labcorp Genetics (formerly Invitae), Labcorp
Classification: Uncertain significance for Fanconi anemia. Last evaluated: 2023-06-02. Review status: criteria provided, single submitter. Criteria: Invitae Variant Classification Sherloc (09022015). Collection method: clinical testing. Allele origin: germline.
Comment: In summary, the available evidence is currently insufficient to determine the role of this variant in disease. Therefore, it has been classified as a Variant of Uncertain Significance. An algorithm developed to predict the effect of missense changes on protein structure and function (PolyPhen-2) suggests that this variant is likely to be tolerated. This variant has not been reported in the literature in individuals affected with FANCM-related conditions. This variant is not present in population databases (gnomAD no frequency). This sequence change replaces glutamine, which is neutral and polar, with lysine, which is basic and polar, at codon 2006 of the FANCM protein (p.Gln2006Lys).